The following is an entry in ClinVar:

ClinVar aggregate classification (germline): Uncertain significance (1 of 4 stars; one submission).

Conditions:
Familial thoracic aortic aneurysm and aortic dissection (TAAD). Also called: Thoracic aortic aneurysms and dissections. Identifiers: Orphanet 91387, MedGen C4707243, MONDO:0019625.

Submission:

Labcorp Genetics (formerly Invitae), Labcorp
Classification: Uncertain significance for Familial thoracic aortic aneurysm and aortic dissection. Last evaluated: 2023-01-13. Review status: criteria provided, single submitter. Criteria: Invitae Variant Classification Sherloc (09022015). Collection method: clinical testing. Allele origin: germline.
Comment: In summary, the available evidence is currently insufficient to determine the role of this variant in disease. Therefore, it has been classified as a Variant of Uncertain Significance. Advanced modeling of protein sequence and biophysical properties (such as structural, functional, and spatial information, amino acid conservation, physicochemical variation, residue mobility, and thermodynamic stability) performed at Invitae indicates that this missense variant is not expected to disrupt MAT2A protein function. This variant has not been reported in the literature in individuals affected with MAT2A-related conditions. This variant is not present in population databases (gnomAD no frequency). This sequence change replaces aspartic acid, which is acidic and polar, with asparagine, which is neutral and polar, at codon 220 of the MAT2A protein (p.Asp220Asn).

NM_005911.6(MAT2A):c.658G>A (p.Asp220Asn)

Genes: GGCX (gamma-glutamyl carboxylase; minus strand), MAT2A (methionine adenosyltransferase 2A; plus strand). Cytogenetic location: 2p11.2.
Variant type: single nucleotide variant.
Coding change: c.658G>A on transcript NM_005911.6 (MANE Select); coding-DNA position 658, G replaced by A.
Protein change: p.Asp220Asn; replaces aspartic acid 220 with asparagine.
Molecular consequence: missense variant.
Genome position (GRCh38, 1-based): chr2:85,542,263, G>A. VCF-style: chr2-85542263-G-A. GRCh37 (hg19) VCF-style: chr2-85769386-G-A.
Other names: short protein forms D220N.
Identifiers: ClinVar variation 3011523 (VCV003011523.3), dbSNP rs2529631994, ClinGen allele CA347477263.